The following is an entry in ClinVar:

NM_152564.5(VPS13B):c.1662T>C (p.Asn554=)

Gene: VPS13B (vacuolar protein sorting 13 homolog B; plus strand). Cytogenetic location: 8q22.2.
Variant type: single nucleotide variant.
Coding change: c.1662T>C on transcript NM_152564.5 (MANE Select); coding-DNA position 1662, T replaced by C.
Protein change: p.Asn554=; no amino-acid change (asparagine 554 retained).
Molecular consequence: synonymous variant.
Genome position (GRCh38, 1-based): chr8:99,142,984, T>C. VCF-style: chr8-99142984-T-C. GRCh37 (hg19) VCF-style: chr8-100155212-T-C.
Other names: c.1662T>C, p.Asn554= (NM_015243.3, NM_017890.5).
Identifiers: ClinVar variation 2864676 (VCV002864676.5), dbSNP rs2488785957, ClinGen allele CA462422768.
Genomic context (GRCh38, chr8:99,142,984, plus strand): 5'-ACTTGGTATATCCAATTGATGCTTAAAATATAAAATTTGACTTCTTTTAGGTTCCACAAA[T>C]CAACAAGACTTTTCTTCAGGGAAAAGTGAAGATTTGGGAACAGTTCAGGAGAAGTCCACC-3'
Protein context (NP_689777.3, residues 544-564): MENTSGKGST[Asn554=]QQDFSSGKSE

ClinVar aggregate classification (germline): Likely benign. Review status: criteria provided, single submitter (1 of 4 stars). 3 submissions from 3 submitters: Likely benign (1). 2 of the submissions do not count toward it. Last evaluated 2023-10-04.

Conditions:
Cohen syndrome (COH1). Also called: Cutis verticis gyrata, retinitis pigmentosa, and sensorineural deafness; PEPPER SYNDROME. Identifiers: Orphanet 193, MedGen C0265223, MONDO:0008999, OMIM 216550.
VPS13B-related disorder. Also called: VPS13B-related condition.

Allele frequency attached by ClinVar (database versions not stated): gnomAD exomes 0.00001.
gnomAD v4.1: 14 of 1,613,318 alleles (0.00087%); highest among the groups gnomAD compares: Non-Finnish European, 0.0012%; no homozygotes.

Submissions (3):

Labcorp Genetics (formerly Invitae), Labcorp
Classification: Likely benign for Cohen syndrome. Last evaluated: 2023-10-04. Review status: criteria provided, single submitter. Criteria: Invitae Variant Classification Sherloc (09022015). Collection method: clinical testing. Allele origin: germline.

Natera, Inc.
Classification: Uncertain significance for Cohen syndrome. Last evaluated: 2025-01-27. Review status: no assertion criteria provided. Collection method: clinical testing. Allele origin: germline. Not counted in ClinVar's aggregate classification.

PreventionGenetics, part of Exact Sciences
Classification: Likely benign for VPS13B-related condition. Last evaluated: 2024-03-15. Review status: no assertion criteria provided. Collection method: clinical testing. Allele origin: germline. Not counted in ClinVar's aggregate classification.
Comment: This variant is classified as likely benign based on ACMG/AMP sequence variant interpretation guidelines (Richards et al. 2015 PMID: 25741868, with internal and published modifications).